The following is an entry in ClinVar:

ClinVar aggregate classification (germline): Benign. Review status: criteria provided, multiple submitters, no conflicts (2 of 4 stars). 8 submissions from 8 submitters: Benign (8). Last evaluated 2026-02-03.

Conditions:
Cardiovascular phenotype. Identifiers: MedGen CN230736.
Long QT syndrome (LQTS). Identifiers: MedGen C0023976, MeSH D008133, MONDO:0002442. Disease mechanism: loss of function. Inheritance: Various modes of inheritance.

Allele frequency attached by ClinVar (database versions not stated): ExAC 0.00312; 1000 Genomes Project 0.01338; 1000 Genomes Project 30x 0.01468; gnomAD exomes 0.00086 and 0.00228; gnomAD 0.00908 and 0.00848; ESP Exome Variant Server 0.00946; TOPMed 0.01009.
gnomAD v4.1: 2,586 of 1,607,766 alleles (0.16%); highest among the groups gnomAD compares: African/African-American, 3.1%; 43 homozygotes.

Submissions (8):

Labcorp Genetics (formerly Invitae), Labcorp
Classification: Benign for Long QT syndrome. Last evaluated: 2026-02-03. Review status: criteria provided, single submitter. Criteria: Invitae Variant Classification Sherloc (09022015). Collection method: clinical testing. Allele origin: germline.

Molecular Diagnostic Laboratory for Inherited Cardiovascular Disease, Montreal Heart Institute
Classification: Benign. Last evaluated: 2025-04-09. Review status: criteria provided, single submitter. Criteria: ACMG Guidelines, 2015. Collection method: clinical testing. Allele origin: germline. Affected: no.

ARUP Laboratories, Molecular Genetics and Genomics, ARUP Laboratories
Classification: Benign. Last evaluated: 2023-11-29. Review status: criteria provided, single submitter. Criteria: ARUP Molecular Germline Variant Investigation Process 2024. Collection method: clinical testing. Allele origin: germline.

Women's Health and Genetics/Laboratory Corporation of America, LabCorp
Classification: Benign. Last evaluated: 2018-02-05. Review status: criteria provided, single submitter. Criteria: LabCorp Variant Classification Summary - May 2015. Collection method: clinical testing. Allele origin: germline.
Comment: Variant summary: CACNA1C c.771C>T alters a non-conserved nucleotide resulting in a synonymous change. 5/5 computational tools predict no significant impact on normal splicing. However, these predictions have yet to be confirmed by functional studies. The variant allele was found at a frequency of 0.0029 in 271784 control chromosomes, predominantly within the African subpopulation at a frequency of 0.031, including 10 homozygotes in the gnomAD database. The observed variant frequency within African control individuals in the gnomAD database is approximately 3000 fold of the estimated maximal expected allele frequency for a pathogenic variant in CACNA1C causing Arrhythmia phenotype (1e-05), strongly suggesting that the variant is a benign polymorphism found primarily in populations of African origin. To our knowledge, no occurrence of c.771C>T in individuals affected with Arrhythmia and no experimental evidence demonstrating its impact on protein function have been reported. Two clinical diagnostic laboratories have submitted clinical-significance assessments for this variant to ClinVar after 2014 without evidence for independent evaluation. All laboratories classified the variant as benign/likely benign. Based on the evidence outlined above, the variant was classified as benign.

Ambry Genetics
Classification: Benign for Cardiovascular phenotype. Last evaluated: 2016-07-14. Review status: criteria provided, single submitter. Criteria: Ambry Variant Classification Scheme 2023. Collection method: clinical testing. Allele origin: germline.

Mayo Clinic Laboratories, Mayo Clinic
Classification: Benign. Last evaluated: 2015-07-31. Review status: criteria provided, single submitter. Criteria: ACMG Guidelines, 2015. Collection method: clinical testing. Allele origin: germline. Observed: 12 variant alleles.

GeneDx
Classification: Benign. Last evaluated: 2015-03-03. Review status: criteria provided, single submitter. Criteria: GeneDx Variant Classification Process June 2021. Collection method: clinical testing. Allele origin: germline. Affected: yes.

Eurofins Ntd Llc (ga)
Classification: Benign. Last evaluated: 2013-07-23. Review status: criteria provided, single submitter. Criteria: EGL Classification Definitions 2015. Collection method: clinical testing. Allele origin: germline. Observed: 1 variant allele, 1 heterozygote.

NM_000719.7(CACNA1C):c.771C>T (p.Val257=)

Gene: CACNA1C (calcium voltage-gated channel subunit alpha1 C; plus strand). Cytogenetic location: 12p13.33.
Variant type: single nucleotide variant.
Coding change: c.771C>T on transcript NM_000719.7 (MANE Select); coding-DNA position 771, C replaced by T.
Protein change: p.Val257=; no amino-acid change (valine 257 retained).
Molecular consequence: synonymous variant.
Genome position (GRCh38, 1-based): chr12:2,486,117, C>T. VCF-style: chr12-2486117-C-T. GRCh37 (hg19) VCF-style: chr12-2595283-C-T.
Other names: p.Val257=; c.771C>T, p.Val257= (NM_001129827.2, NM_001129829.2, NM_001129830.3 and 19 more transcripts).
Identifiers: ClinVar variation 93423 (VCV000093423.36), dbSNP rs112315742, ClinGen allele CA146952.
Genomic context (GRCh38, chr12:2,486,117, plus strand): 5'-CGGTACCGCGGTGATGCTTGGTTCAGTGAGTGGCTCTGTCCCCGCAGGTCTCCAGGTGGT[C>T]CTGAATTCCATCATCAAGGCCATGGTCCCCCTGCTGCACATCGCCCTGCTTGTGCTGTTT-3'
Protein context (NP_000710.5, residues 247-267): LVSGVPSLQV[Val257=]LNSIIKAMVP